The following is an entry in ClinVar:

ClinVar aggregate classification (germline): Uncertain significance. Review status: criteria provided, multiple submitters, no conflicts (2 of 4 stars). 2 submissions from 2 submitters: Uncertain significance (2). Last evaluated 2025-11-10.

Conditions:
Inborn genetic diseases. Identifiers: MedGen C0950123, MeSH D030342.

Allele frequency attached by ClinVar (database versions not stated): gnomAD 0.00003; TOPMed 0.00004.
gnomAD v4.1: 62 of 1,613,276 alleles (0.0038%); highest among the groups gnomAD compares: Non-Finnish European, 0.0048%; no homozygotes.

Submissions (2):

Labcorp Genetics (formerly Invitae), Labcorp
Classification: Uncertain significance. Last evaluated: 2025-11-10. Review status: criteria provided, single submitter. Criteria: Invitae Variant Classification Sherloc (09022015). Collection method: clinical testing. Allele origin: germline.
Comment: This sequence change replaces proline, which is neutral and non-polar, with arginine, which is basic and polar, at codon 197 of the GP6 protein (p.Pro197Arg). This variant is present in population databases (rs778314910, gnomAD 0.006%). This variant has not been reported in the literature in individuals affected with GP6-related conditions. ClinVar contains an entry for this variant (Variation ID: 2068613). An algorithm developed to predict the effect of missense changes on protein structure and function (PolyPhen-2) suggests that this variant is likely to be disruptive. In summary, the available evidence is currently insufficient to determine the role of this variant in disease. Therefore, it has been classified as a Variant of Uncertain Significance.

Ambry Genetics
Classification: Uncertain significance for Inborn genetic diseases. Last evaluated: 2024-01-08. Review status: criteria provided, single submitter. Criteria: Ambry Variant Classification Scheme 2023. Collection method: clinical testing. Allele origin: germline.

NM_016363.5(GP6):c.590C>G (p.Pro197Arg)

Gene: GP6 (glycoprotein VI platelet; minus strand). Cytogenetic location: 19q13.42.
Variant type: single nucleotide variant.
Coding change: c.590C>G on transcript NM_016363.5 (MANE Select); coding-DNA position 590, C replaced by G.
Protein change: p.Pro197Arg; replaces proline 197 with arginine.
Molecular consequence: missense variant.
Genome position (GRCh38, 1-based): chr19:55,027,598, G>C on the plus strand (C>G on the coding strand, the complement: GP6 is on the minus strand). VCF-style: chr19-55027598-G-C. GRCh37 (hg19) VCF-style: chr19-55538966-G-C.
Other names: c.590C>G, p.Pro197Arg (NM_001083899.2, NM_001256017.2); c.590C>G (NM_001083899.1); short protein forms P197R.
Identifiers: ClinVar variation 2068613 (VCV002068613.5), dbSNP rs778314910, ClinGen allele CA310129989.